The following is an entry in ClinVar:

ClinVar aggregate classification (germline): Uncertain significance (1 of 4 stars; one submission).

gnomAD v4.1: 14 of 1,613,968 alleles (0.00087%); highest among the groups gnomAD compares: African/African-American, 0.016%; no homozygotes.

Submission:

GeneDx
Classification: Uncertain significance. Last evaluated: 2019-06-20. Review status: criteria provided, single submitter. Criteria: GeneDx Variant Classification Process June 2021. Collection method: clinical testing. Allele origin: germline. Affected: yes.
Comment: Has not been previously published as pathogenic or benign to our knowledge; Not observed at a significant frequency in large population cohorts (Lek et al., 2016); In silico analysis, which includes protein predictors and evolutionary conservation, supports a deleterious effect

NM_014252.4(SLC25A15):c.565G>C (p.Gly189Arg)

Gene: SLC25A15 (solute carrier family 25 member 15; plus strand). Cytogenetic location: 13q14.11.
Variant type: single nucleotide variant.
Coding change: c.565G>C on transcript NM_014252.4 (MANE Select); coding-DNA position 565, G replaced by C.
Protein change: p.Gly189Arg; replaces glycine 189 with arginine.
Molecular consequence: missense variant.
Genome position (GRCh38, 1-based): chr13:40,807,406, G>C. VCF-style: chr13-40807406-G-C. GRCh37 (hg19) VCF-style: chr13-41381542-G-C.
Other names: short protein forms G189R.
Identifiers: ClinVar variation 1306613 (VCV001306613.2), dbSNP rs151239794, ClinGen allele CA6959762.
Genomic context (GRCh38, chr13:40,807,406, plus strand): 5'-TTCTACCATGGACTCTCAAGCACTTTACTTCGAGAAGTACCAGGCTATTTCTTCTTCTTC[G>C]GTGGCTATGAACTGAGCCGGTCCTTTTTTGCATCAGGGAGATCAAAAGATGAATTAGGTA-3'
Protein context (NP_055067.1, residues 179-199): REVPGYFFFF[Gly189Arg]GYELSRSFFA